The following is an entry in ClinVar:

NM_001144967.3(NEDD4L):c.2602A>G (p.Ile868Val)

Gene: NEDD4L (NEDD4 like E3 ubiquitin protein ligase; plus strand). Cytogenetic location: 18q21.31.
Variant type: single nucleotide variant.
Coding change: c.2602A>G on transcript NM_001144967.3 (MANE Select); coding-DNA position 2602, A replaced by G.
Protein change: p.Ile868Val; replaces isoleucine 868 with valine.
Molecular consequence: missense variant.
Genome position (GRCh38, 1-based): chr18:58,389,139, A>G. VCF-style: chr18-58389139-A-G. GRCh37 (hg19) VCF-style: chr18-56056371-A-G.
Other names: c.2239A>G, p.Ile747Val (NM_001144964.1, NM_001144965.2, NM_001144966.3); c.2578A>G, p.Ile860Val (NM_001144968.2); c.2518A>G, p.Ile840Val (NM_001144969.2); c.2179A>G, p.Ile727Val (NM_001144970.3, NM_001144971.2); c.2410A>G, p.Ile804Val (NM_001243960.2); c.2542A>G, p.Ile848Val (NM_015277.6); short protein forms I840V, I804V, I727V, I747V, I848V, I860V, I868V.
Identifiers: ClinVar variation 2917782 (VCV002917782.3), dbSNP rs369608371, ClinGen allele CA8976000.
Genomic context (GRCh38, chr18:58,389,139, plus strand): 5'-TCCTAGTTGCTCATGTGCGGCCTCGGTGATGTGGATGTGAATGACTGGAGACAGCATTCT[A>G]TTTACAAGAACGGCTACTGCCCAAACCACCCCGTCATTCAGTGGTTCTGGAAGGTAACTC-3'
Protein context (NP_001138439.1, residues 858-878): VDVNDWRQHS[Ile868Val]YKNGYCPNHP

ClinVar aggregate classification (germline): Uncertain significance (1 of 4 stars; one submission).

Allele frequency attached by ClinVar (database versions not stated): gnomAD 0.00002; ESP Exome Variant Server 0.00008; TOPMed 0.00003; ExAC 0.00001.
gnomAD v4.1: 8 of 1,613,876 alleles (0.0005%); highest among the groups gnomAD compares: African/African-American, 0.008%; no homozygotes.

Submission:

Labcorp Genetics (formerly Invitae), Labcorp
Classification: Uncertain significance. Last evaluated: 2025-07-06. Review status: criteria provided, single submitter. Criteria: Invitae Variant Classification Sherloc (09022015). Collection method: clinical testing. Allele origin: germline.
Comment: This sequence change replaces isoleucine, which is neutral and non-polar, with valine, which is neutral and non-polar, at codon 848 of the NEDD4L protein (p.Ile848Val). This variant is present in population databases (rs369608371, gnomAD 0.01%). This variant has not been reported in the literature in individuals affected with NEDD4L-related conditions. ClinVar contains an entry for this variant (Variation ID: 2917782). Invitae Evidence Modeling of protein sequence and biophysical properties (such as structural, functional, and spatial information, amino acid conservation, physicochemical variation, residue mobility, and thermodynamic stability) indicates that this missense variant is not expected to disrupt NEDD4L protein function with a negative predictive value of 80%. In summary, the available evidence is currently insufficient to determine the role of this variant in disease. Therefore, it has been classified as a Variant of Uncertain Significance.